The following is an entry in ClinVar:

ClinVar aggregate classification (germline): Benign/Likely benign. Review status: criteria provided, multiple submitters, no conflicts (2 of 4 stars). 10 submissions from 10 submitters: Benign (7); Likely benign (1). 2 of the submissions do not count toward it. Last evaluated 2026-02-02.

Conditions:
Gray platelet syndrome (GPS). Also called: BLEEDING DISORDER, PLATELET-TYPE, 4. Identifiers: Orphanet 721, MedGen C0272302, MONDO:0007686, OMIM 139090.

Allele frequency attached by ClinVar (database versions not stated): 1000 Genomes Project 30x 0.31761; 1000 Genomes Project 0.32009; ESP Exome Variant Server 0.33186; TOPMed 0.33538; gnomAD 0.34360 and 0.34436; gnomAD exomes 0.36355 and 0.39331; ExAC 0.42365.
gnomAD v4.1: 602,519 of 1,550,500 alleles (39%); highest among the groups gnomAD compares: Middle Eastern, 47%; 119,430 homozygotes.

Submissions (10):

Labcorp Genetics (formerly Invitae), Labcorp
Classification: Benign. Last evaluated: 2026-02-02. Review status: criteria provided, single submitter. Criteria: Invitae Variant Classification Sherloc (09022015). Collection method: clinical testing. Allele origin: germline.

Blueprint Genetics
Classification: Likely benign. Last evaluated: 2024-11-26. Review status: criteria provided, single submitter. Criteria: ACMG Guidelines, 2015. Collection method: clinical testing. Allele origin: germline.

Mayo Clinic Laboratories, Mayo Clinic
Classification: Benign. Last evaluated: 2022-09-29. Review status: criteria provided, single submitter. Criteria: ACMG Guidelines, 2015. Collection method: clinical testing. Allele origin: germline. Observed: 301 variant alleles.

Genome-Nilou Lab
Classification: Benign for Gray platelet syndrome. Last evaluated: 2021-09-05. Review status: criteria provided, single submitter. Criteria: ACMG Guidelines, 2015. Collection method: clinical testing. Allele origin: germline. Affected: no.

GeneDx
Classification: Benign. Last evaluated: 2018-11-12. Review status: criteria provided, single submitter. Criteria: GeneDx Variant Classification Process June 2021. Collection method: clinical testing. Allele origin: germline. Affected: yes.

Illumina Laboratory Services, Illumina
Classification: Benign for Gray platelet syndrome. Last evaluated: 2018-01-12. Review status: criteria provided, single submitter. Criteria: ICSL Variant Classification Criteria 13 December 2019. Collection method: clinical testing. Allele origin: germline.
Comment: This variant was observed in the ICSL laboratory as part of a predisposition screen in an ostensibly healthy population. It had not been previously curated by ICSL or reported in the Human Gene Mutation Database (HGMD: prior to June 1st, 2018), and was therefore a candidate for classification through an automated scoring system. Utilizing variant allele frequency, disease prevalence and penetrance estimates, and inheritance mode, an automated score was calculated to assess if this variant is too frequent to cause the disease. Based on the score and internal cut-off values, a variant classified as benign is not then subjected to further curation. The score for this variant resulted in a classification of benign for this disease.

Breakthrough Genomics
Classification: Benign. Review status: criteria provided, single submitter. Criteria: ACMG Guidelines, 2015. Collection method: not provided. Allele origin: germline. Inheritance: Autosomal recessive inheritance. Affected: yes.

PreventionGenetics, part of Exact Sciences
Classification: Benign. Review status: criteria provided, single submitter. Criteria: ACMG Guidelines, 2015. Collection method: clinical testing. Allele origin: germline.

Diagnostic Laboratory, Department of Genetics, University Medical Center Groningen
Classification: Benign. Review status: no assertion criteria provided. Collection method: clinical testing. Allele origin: germline. Affected: yes. Study: VKGL Data-share Consensus. Not counted in ClinVar's aggregate classification.

Joint Genome Diagnostic Labs from Nijmegen and Maastricht, Radboudumc and MUMC+
Classification: Benign. Review status: no assertion criteria provided. Collection method: clinical testing. Allele origin: germline. Affected: yes. Study: VKGL Data-share Consensus. Not counted in ClinVar's aggregate classification.

NM_015175.3(NBEAL2):c.4995G>A (p.Val1665=)

Gene: NBEAL2 (neurobeachin like 2; plus strand). Cytogenetic location: 3p21.31.
Variant type: single nucleotide variant.
Coding change: c.4995G>A on transcript NM_015175.3 (MANE Select); coding-DNA position 4995, G replaced by A.
Protein change: p.Val1665=; no amino-acid change (valine 1665 retained).
Molecular consequence: synonymous variant.
Genome position (GRCh38, 1-based): chr3:47,002,132, G>A. VCF-style: chr3-47002132-G-A. GRCh37 (hg19) VCF-style: chr3-47043622-G-A.
Other names: p.Val1665=; c.4893G>A, p.Val1631= (NM_001365116.2).
Identifiers: ClinVar variation 260583 (VCV000260583.19), dbSNP rs2305635, ClinGen allele CA2361409.